The following is an entry in ClinVar:

NM_014956.5(CEP164):c.3677T>C (p.Met1226Thr)

Gene: CEP164 (centrosomal protein 164; plus strand). Cytogenetic location: 11q23.3.
Variant type: single nucleotide variant.
Coding change: c.3677T>C on transcript NM_014956.5 (MANE Select); coding-DNA position 3677, T replaced by C.
Protein change: p.Met1226Thr; replaces methionine 1226 with threonine.
Molecular consequence: missense variant.
Genome position (GRCh38, 1-based): chr11:117,408,957, T>C. VCF-style: chr11-117408957-T-C. GRCh37 (hg19) VCF-style: chr11-117279673-T-C.
Other names: c.3686T>C, p.Met1229Thr (NM_001271933.2); short protein forms M1229T, M1226T.
Identifiers: ClinVar variation 942680 (VCV000942680.7), dbSNP rs1190524819, ClinGen allele CA382742274.

ClinVar aggregate classification (germline): Uncertain significance (1 of 4 stars; one submission).

Conditions:
Nephronophthisis 15 (NPHP15). Identifiers: Orphanet 3156, MedGen C3541853, MONDO:0013917, OMIM 614845.

Allele frequency attached by ClinVar (database versions not stated): gnomAD 0.00001.

Submission:

Labcorp Genetics (formerly Invitae), Labcorp
Classification: Uncertain significance for Nephronophthisis 15. Last evaluated: 2022-03-13. Review status: criteria provided, single submitter. Criteria: Invitae Variant Classification Sherloc (09022015). Collection method: clinical testing. Allele origin: germline.
Comment: This sequence change replaces methionine, which is neutral and non-polar, with threonine, which is neutral and polar, at codon 1226 of the CEP164 protein (p.Met1226Thr). This variant is present in population databases (no rsID available, gnomAD 0.007%). This variant has not been reported in the literature in individuals affected with CEP164-related conditions. ClinVar contains an entry for this variant (Variation ID: 942680). Algorithms developed to predict the effect of missense changes on protein structure and function output the following: SIFT: "Tolerated"; PolyPhen-2: "Benign"; Align-GVGD: "Class C0". The threonine amino acid residue is found in multiple mammalian species, which suggests that this missense change does not adversely affect protein function. In summary, the available evidence is currently insufficient to determine the role of this variant in disease. Therefore, it has been classified as a Variant of Uncertain Significance.